The following is an entry in ClinVar:

NM_015512.5(DNAH1):c.5439G>A (p.Lys1813=)

Gene: DNAH1 (dynein axonemal heavy chain 1; plus strand). Cytogenetic location: 3p21.1.
Variant type: single nucleotide variant.
Coding change: c.5439G>A on transcript NM_015512.5 (MANE Select); coding-DNA position 5439, G replaced by A.
Protein change: p.Lys1813=; no amino-acid change (lysine 1813 retained).
Molecular consequence: synonymous variant.
Genome position (GRCh38, 1-based): chr3:52,364,940, G>A. VCF-style: chr3-52364940-G-A. GRCh37 (hg19) VCF-style: chr3-52398956-G-A.
Identifiers: ClinVar variation 572347 (VCV000572347.6), dbSNP rs1559533989, ClinGen allele CA433883876.

ClinVar aggregate classification (germline): Uncertain significance (1 of 4 stars; one submission).

Conditions:
Spermatogenic failure 18. Identifiers: MedGen C4539783, MONDO:0054615, OMIM 617576.
Ciliary dyskinesia, primary, 37 (CILD37). Also called: CILIARY DYSKINESIA, PRIMARY, 37, WITH OR WITHOUT SITUS INVERSUS. Identifiers: MedGen C4539798, MONDO:0033204, OMIM 617577.

Allele frequency attached by ClinVar (database versions not stated): gnomAD exomes below 0.00001.
gnomAD v4.1: 1 of 1,613,988 alleles (0.000062%); highest among the groups gnomAD compares: Non-Finnish European, 0.000085%; no homozygotes.

Submission:

Labcorp Genetics (formerly Invitae), Labcorp
Classification: Uncertain significance for Ciliary dyskinesia, primary, 37; Spermatogenic failure 18. Last evaluated: 2018-02-15. Review status: criteria provided, single submitter. Criteria: Invitae Variant Classification Sherloc (09022015). Collection method: clinical testing. Allele origin: germline.
Comment: In summary, the available evidence is currently insufficient to determine the role of this variant in disease. Therefore, it has been classified as a Variant of Uncertain Significance. Algorithms developed to predict the effect of sequence changes on RNA splicing suggest that this variant may create or strengthen a splice site, but this prediction has not been confirmed by published transcriptional studies. This variant has not been reported in the literature in individuals with DNAH1-related disease. This variant is not present in population databases (ExAC no frequency). This sequence change affects codon 1813 of the DNAH1 mRNA. It is a 'silent' change, meaning that it does not change the encoded amino acid sequence of the DNAH1 protein.